The following is an entry in ClinVar:

NM_001378120.1(MBD5):c.217G>T (p.Val73Leu)

Gene: MBD5 (methyl-CpG binding domain protein 5; plus strand). Cytogenetic location: 2q23.1.
Variant type: single nucleotide variant.
Coding change: c.217G>T on transcript NM_001378120.1 (MANE Select); coding-DNA position 217, G replaced by T.
Protein change: p.Val73Leu; replaces valine 73 with leucine.
Molecular consequence: missense variant.
Genome position (GRCh38, 1-based): chr2:148,463,739, G>T. VCF-style: chr2-148463739-G-T. GRCh37 (hg19) VCF-style: chr2-149221308-G-T.
Other names: c.217G>T, p.Val73Leu (NM_001438854.1, NM_001438855.1, NM_001438856.1 and 7 more transcripts); short protein forms V73L.
Identifiers: ClinVar variation 5001649 (VCV005001649.1).
Genomic context (GRCh38, chr2:148,463,739, plus strand): 5'-GGATCTTTTTATTAAATGTTTTTACAGACATATTCTAAACAAAGGCTGTGCTTTTTCCAG[G>T]TATTTAATTTTGATCCTGGAGCTGCTGTGAAACAGAGAACCGCAGAAGATGTTAAGGCAG-3'
Protein context (NP_001365049.1, residues 63-83): GLECPLILPK[Val73Leu]FNFDPGAAVK

ClinVar aggregate classification (germline): Uncertain significance (1 of 4 stars; one submission).

Conditions:
MBD5-related disorder. Also called: MBD5-related condition.

Submission:

PreventionGenetics, part of Exact Sciences
Classification: Uncertain significance for MBD5-related condition. Last evaluated: 2024-10-07. Review status: criteria provided, single submitter. Criteria: ACMG Guidelines, 2015. Collection method: clinical testing. Allele origin: germline.
Comment: The MBD5 c.217G>T variant is predicted to result in the amino acid substitution p.Val73Leu. This variant is located at the first nucleotide of the exon and is predicted to possibly weaken the acceptor splice site based on available splicing prediction programs (Alamut Visual v1.6.1). However, the use of computer prediction programs is not equivalent to functional evidence. To our knowledge, this variant has not been reported in the literature or in a large population database (gnomAD), indicating this variant is rare. At this time, the clinical significance of this variant is uncertain due to the absence of conclusive functional and genetic evidence.